The following is an entry in ClinVar:

ClinVar aggregate classification (germline): Uncertain significance (1 of 4 stars; one submission).

Conditions:
Sialuria. Also called: SIALURIA, FRENCH TYPE; Sialic Acid Storage Disease. Identifiers: Orphanet 3166, MedGen C0342853, MONDO:0010028, OMIM 269921.
GNE myopathy (NM). Also called: NONAKA DISTAL MYOPATHY; INCLUSION BODY MYOPATHY, HEREDITARY, AUTOSOMAL RECESSIVE; INCLUSION BODY MYOPATHY 2, AUTOSOMAL RECESSIVE; MYOPATHY, DISTAL, WITH OR WITHOUT RIMMED VACUOLES; IBM 2; Inclusion body myopathy autosomal recessive. Identifiers: Orphanet 602, MedGen C1853926, MONDO:0011603, OMIM 605820.

gnomAD v4.1: 1 of 1,611,268 alleles (0.000062%); highest among the groups gnomAD compares: Non-Finnish European, 0.000085%; no homozygotes.

Submission:

Labcorp Genetics (formerly Invitae), Labcorp
Classification: Uncertain significance for Sialuria; GNE myopathy. Last evaluated: 2025-06-04. Review status: criteria provided, single submitter. Criteria: Invitae Variant Classification Sherloc (09022015). Collection method: clinical testing. Allele origin: germline.
Comment: This sequence change replaces valine, which is neutral and non-polar, with alanine, which is neutral and non-polar, at codon 462 of the GNE protein (p.Val462Ala). This variant is not present in population databases (gnomAD no frequency). This variant has not been reported in the literature in individuals affected with GNE-related conditions. Invitae Evidence Modeling of protein sequence and biophysical properties (such as structural, functional, and spatial information, amino acid conservation, physicochemical variation, residue mobility, and thermodynamic stability) has been performed for this missense variant. However, the output from this modeling did not meet the statistical confidence thresholds required to predict the impact of this variant on GNE protein function. In summary, the available evidence is currently insufficient to determine the role of this variant in disease. Therefore, it has been classified as a Variant of Uncertain Significance.

NM_005476.7(GNE):c.1292T>C (p.Val431Ala)

Gene: GNE (glucosamine (UDP-N-acetyl)-2-epimerase/N-acetylmannosamine kinase; minus strand). Cytogenetic location: 9p13.3.
Variant type: single nucleotide variant.
Coding change: c.1292T>C on transcript NM_005476.7 (MANE Select); coding-DNA position 1292, T replaced by C.
Protein change: p.Val431Ala; replaces valine 431 with alanine.
Molecular consequence: missense variant.
Genome position (GRCh38, 1-based): chr9:36,223,492, A>G on the plus strand (T>C on the coding strand, the complement: GNE is on the minus strand). VCF-style: chr9-36223492-A-G. GRCh37 (hg19) VCF-style: chr9-36223489-A-G.
Other names: c.1385T>C, p.Val462Ala (NM_001128227.3); c.1292T>C, p.Val431Ala (NM_001190383.3); c.962T>C, p.Val321Ala (NM_001190384.3); c.1115T>C, p.Val372Ala (NM_001190388.2, NM_001374798.1); c.1139T>C, p.Val380Ala (NM_001374797.1); short protein forms V380A, V462A, V321A, V372A, V431A.
Identifiers: ClinVar variation 4788158 (VCV004788158.1).